The following is an entry in ClinVar:

ClinVar aggregate classification (germline): Uncertain significance. Review status: criteria provided, multiple submitters, no conflicts (2 of 4 stars). 2 submissions from 2 submitters: Uncertain significance (2). Last evaluated 2025-12-02.

Conditions:
Inborn genetic diseases. Identifiers: MedGen C0950123, MeSH D030342.

Allele frequency attached by ClinVar (database versions not stated): gnomAD exomes 0.00001; gnomAD 0.00013 and 0.00012; TOPMed 0.00015.
gnomAD v4.1: 28 of 1,456,606 alleles (0.0019%); highest among the groups gnomAD compares: African/African-American, 0.033%; no homozygotes.

Submissions (2):

Ambry Genetics
Classification: Uncertain significance for Inborn genetic diseases. Last evaluated: 2025-12-02. Review status: criteria provided, single submitter. Criteria: Ambry Variant Classification Scheme 2023. Collection method: clinical testing. Allele origin: germline.

Labcorp Genetics (formerly Invitae), Labcorp
Classification: Uncertain significance. Last evaluated: 2023-11-22. Review status: criteria provided, single submitter. Criteria: Invitae Variant Classification Sherloc (09022015). Collection method: clinical testing. Allele origin: germline.
Comment: This sequence change replaces glycine, which is neutral and non-polar, with aspartic acid, which is acidic and polar, at codon 448 of the SPEG protein (p.Gly448Asp). This variant is present in population databases (no rsID available, gnomAD 0.06%). This variant has not been reported in the literature in individuals affected with SPEG-related conditions. ClinVar contains an entry for this variant (Variation ID: 1434261). Algorithms developed to predict the effect of missense changes on protein structure and function output the following: SIFT: "Not Available"; PolyPhen-2: "Benign"; Align-GVGD: "Not Available". The aspartic acid amino acid residue is found in multiple mammalian species, which suggests that this missense change does not adversely affect protein function. In summary, the available evidence is currently insufficient to determine the role of this variant in disease. Therefore, it has been classified as a Variant of Uncertain Significance.

NM_005876.5(SPEG):c.1343G>A (p.Gly448Asp)

Gene: SPEG (striated muscle enriched protein kinase; plus strand). Cytogenetic location: 2q35.
Variant type: single nucleotide variant.
Coding change: c.1343G>A on transcript NM_005876.5 (MANE Select); coding-DNA position 1343, G replaced by A.
Protein change: p.Gly448Asp; replaces glycine 448 with aspartic acid.
Molecular consequence: missense variant.
Genome position (GRCh38, 1-based): chr2:219,448,501, G>A. VCF-style: chr2-219448501-G-A. GRCh37 (hg19) VCF-style: chr2-220313223-G-A.
Other names: c.1343G>A (NM_005876.4); short protein forms G448D.
Identifiers: ClinVar variation 1434261 (VCV001434261.6), dbSNP rs910357653, ClinGen allele CA66004517.